The following is an entry in ClinVar:

NM_004655.4(AXIN2):c.560A>G (p.Tyr187Cys)

Gene: AXIN2 (axin 2; minus strand). Cytogenetic location: 17q24.1.
Variant type: single nucleotide variant.
Coding change: c.560A>G on transcript NM_004655.4 (MANE Select); coding-DNA position 560, A replaced by G.
Protein change: p.Tyr187Cys; replaces tyrosine 187 with cysteine.
Molecular consequence: missense variant.
Genome position (GRCh38, 1-based): chr17:65,558,061, T>C on the plus strand (A>G on the coding strand, the complement: AXIN2 is on the minus strand). VCF-style: chr17-65558061-T-C. GRCh37 (hg19) VCF-style: chr17-63554179-T-C.
Other names: c.560A>G, p.Tyr187Cys (NM_001363813.1); short protein forms Y187C.
Identifiers: ClinVar variation 1002388 (VCV001002388.9), dbSNP rs2044298363, ClinGen allele CA400680883.

ClinVar aggregate classification (germline): Uncertain significance. Review status: criteria provided, multiple submitters, no conflicts (2 of 4 stars). 2 submissions from 2 submitters: Uncertain significance (2). Last evaluated 2023-12-06.

Conditions:
Colorectal cancer. Also called: Colorectal cancer, somatic; Malignant Colorectal Neoplasm. Identifiers: MedGen C0346629, MONDO:0005575, OMIM 114500.
Oligodontia-cancer predisposition syndrome. Also called: TOOTH AGENESIS-COLORECTAL CANCER SYNDROME. Identifiers: Orphanet 300576, MedGen C1837750, MONDO:0012075, OMIM 608615. Disease mechanism: loss of function.

Submissions (2):

Baylor Genetics
Classification: Uncertain significance for Colorectal cancer. Last evaluated: 2023-12-06. Review status: criteria provided, single submitter. Criteria: ACMG Guidelines, 2015. Collection method: clinical testing. Allele origin: unknown.

Labcorp Genetics (formerly Invitae), Labcorp
Classification: Uncertain significance for Oligodontia-cancer predisposition syndrome. Last evaluated: 2020-09-20. Review status: criteria provided, single submitter. Criteria: Invitae Variant Classification Sherloc (09022015). Collection method: clinical testing. Allele origin: germline.
Comment: In summary, the available evidence is currently insufficient to determine the role of this variant in disease. Therefore, it has been classified as a Variant of Uncertain Significance. Algorithms developed to predict the effect of missense changes on protein structure and function (SIFT, PolyPhen-2, Align-GVGD) all suggest that this variant is likely to be disruptive, but these predictions have not been confirmed by published functional studies and their clinical significance is uncertain. This variant has not been reported in the literature in individuals with AXIN2-related conditions. This variant is not present in population databases (ExAC no frequency). This sequence change replaces tyrosine with cysteine at codon 187 of the AXIN2 protein (p.Tyr187Cys). The tyrosine residue is highly conserved and there is a large physicochemical difference between tyrosine and cysteine.